The following is an entry in ClinVar:

NM_024675.4(PALB2):c.3013T>A (p.Phe1005Ile)

Gene: PALB2 (partner and localizer of BRCA2; minus strand). Cytogenetic location: 16p12.2.
Variant type: single nucleotide variant.
Coding change: c.3013T>A on transcript NM_024675.4 (MANE Select); coding-DNA position 3013, T replaced by A.
Protein change: p.Phe1005Ile; replaces phenylalanine 1005 with isoleucine.
Molecular consequence: missense variant.
Genome position (GRCh38, 1-based): chr16:23,621,462, A>T on the plus strand (T>A on the coding strand, the complement: PALB2 is on the minus strand). VCF-style: chr16-23621462-A-T. GRCh37 (hg19) VCF-style: chr16-23632783-A-T.
Other names: short protein forms F1005I.
Identifiers: ClinVar variation 484239 (VCV000484239.12), dbSNP rs1555459414, ClinGen allele CA395143160.

ClinVar aggregate classification (germline): Uncertain significance. Review status: criteria provided, multiple submitters, no conflicts (2 of 4 stars). 2 submissions from 2 submitters: Uncertain significance (2). Last evaluated 2024-04-04.

Conditions:
Hereditary cancer-predisposing syndrome. Also called: Neoplastic Syndromes, Hereditary; Tumor predisposition; Hereditary Cancer Syndrome; Hereditary neoplastic syndrome. Identifiers: Orphanet 140162, MedGen C0027672, MeSH D009386, MONDO:0015356.
Familial cancer of breast. Also called: BREAST CANCER, FAMILIAL; Hereditary breast cancer; hereditary breast carcinoma. Identifiers: Orphanet 227535, MedGen C0346153, MONDO:0016419, OMIM 114480. Disease mechanism: loss of function.

Allele frequency attached by ClinVar (database versions not stated): gnomAD exomes below 0.00001.
gnomAD v4.1: 2 of 1,613,888 alleles (0.00012%); highest among the groups gnomAD compares: Non-Finnish European, 0.00017%; no homozygotes.

Submissions (2):

Labcorp Genetics (formerly Invitae), Labcorp
Classification: Uncertain significance for Familial cancer of breast. Last evaluated: 2024-04-04. Review status: criteria provided, single submitter. Criteria: Invitae Variant Classification Sherloc (09022015). Collection method: clinical testing. Allele origin: germline.
Comment: This sequence change replaces phenylalanine, which is neutral and non-polar, with isoleucine, which is neutral and non-polar, at codon 1005 of the PALB2 protein (p.Phe1005Ile). This variant is not present in population databases (gnomAD no frequency). This variant has not been reported in the literature in individuals affected with PALB2-related conditions. ClinVar contains an entry for this variant (Variation ID: 484239). Advanced modeling of protein sequence and biophysical properties (such as structural, functional, and spatial information, amino acid conservation, physicochemical variation, residue mobility, and thermodynamic stability) performed at Invitae indicates that this missense variant is expected to disrupt PALB2 protein function with a positive predictive value of 80%. In summary, the available evidence is currently insufficient to determine the role of this variant in disease. Therefore, it has been classified as a Variant of Uncertain Significance.

Ambry Genetics
Classification: Uncertain significance for Hereditary cancer-predisposing syndrome. Last evaluated: 2022-04-28. Review status: criteria provided, single submitter. Criteria: Ambry Variant Classification Scheme 2023. Collection method: clinical testing. Allele origin: germline.
Comment: The p.F1005I variant (also known as c.3013T>A), located in coding exon 10 of the PALB2 gene, results from a T to A substitution at nucleotide position 3013. The phenylalanine at codon 1005 is replaced by isoleucine, an amino acid with highly similar properties. This amino acid position is not well conserved in available vertebrate species. In addition, this alteration is predicted to be tolerated by in silico analysis. Since supporting evidence is limited at this time, the clinical significance of this alteration remains unclear.